The following is an entry in ClinVar:

ClinVar aggregate classification (germline): Likely benign (1 of 4 stars; one submission).

Allele frequency attached by ClinVar (database versions not stated): 1000 Genomes Project 0.00200; 1000 Genomes Project 30x 0.00265; TOPMed 0.00360; gnomAD 0.00426 and 0.00436.
gnomAD v4.1: 642 of 151,776 alleles (0.42%); highest among the groups gnomAD compares: Non-Finnish European, 0.67%; 6 homozygotes.

Submission:

GeneDx
Classification: Likely benign. Last evaluated: 2018-06-12. Review status: criteria provided, single submitter. Criteria: GeneDx Variant Classification (06012015). Collection method: clinical testing. Allele origin: germline. Affected: yes.
Comment: This variant is considered likely benign or benign based on one or more of the following criteria: it is a conservative change, it occurs at a poorly conserved position in the protein, it is predicted to be benign by multiple in silico algorithms, and/or has population frequency not consistent with disease.

NM_020975.6(RET):c.867+171A>T

Gene: RET (ret proto-oncogene; plus strand). Cytogenetic location: 10q11.21.
Variant type: single nucleotide variant.
Coding change: c.867+171A>T on transcript NM_020975.6 (MANE Select); 171 bases into the intron after coding-DNA position 867, A replaced by T.
Molecular consequence: intron variant.
Genome position (GRCh38, 1-based): chr10:43,105,364, A>T. VCF-style: chr10-43105364-A-T. GRCh37 (hg19) VCF-style: chr10-43600812-A-T.
Other names: c.867+171A>T (NM_020630.7, NM_001406743.1, NM_001406744.1 and 6 more transcripts); c.625+2735A>T (NM_001406773.1, NM_001406771.1, NM_001406782.1 and 5 more transcripts); c.738+171A>T (NM_001406764.1, NM_001406762.1, NM_001406761.1 and 2 more transcripts); c.496+2735A>T (NM_001406786.1, NM_001406783.1); c.579+171A>T (NM_001406770.1, NM_001406766.1, NM_001406767.1); c.338-3667A>T (NM_001406778.1, NM_001406775.1, NM_001406776.1 and 1 more transcripts); c.337+4642A>T (NM_001406790.1, NM_001406788.1, NM_001406789.1 and 1 more transcripts); c.74-3667A>T (NM_001406784.1); and 2 more.
Identifiers: ClinVar variation 676872 (VCV000676872.3), dbSNP rs3026739, ClinGen allele CA206256962.